The following is an entry in ClinVar:

NM_001024843.2(TNRC6B):c.46-2A>G

Gene: TNRC6B (trinucleotide repeat containing adaptor 6B; plus strand). Cytogenetic location: 22q13.1.
Variant type: single nucleotide variant.
Coding change: c.46-2A>G on transcript NM_001024843.2; the canonical splice acceptor site of the intron before coding-DNA position 46, A replaced by G.
Molecular consequence: splice acceptor variant.
Genome position (GRCh38, 1-based): chr22:40,156,113, A>G. VCF-style: chr22-40156113-A-G. GRCh37 (hg19) VCF-style: chr22-40552117-A-G.
Identifiers: ClinVar variation 996648 (VCV000996648.4), dbSNP rs146996627, ClinGen allele CA10246358.

ClinVar aggregate classification (germline): Uncertain significance. Review status: criteria provided, single submitter (1 of 4 stars). 2 submissions from 2 submitters: Uncertain significance (1). 1 of the submissions does not count toward it. Last evaluated 2026-09-01.

Conditions:
Autism spectrum disorder. Also called: Autism spectrum disorders. Identifiers: MedGen C1510586, MeSH D000067877, MONDO:0005258.

Allele frequency attached by ClinVar (database versions not stated): 1000 Genomes Project 30x 0.00062; gnomAD 0.00001; TOPMed 0.00003; ExAC 0.00003; gnomAD exomes 0.00005; 1000 Genomes Project 0.00020.
gnomAD v4.1: 12 of 1,575,580 alleles (0.00076%); highest among the groups gnomAD compares: Admixed American, 0.02%; no homozygotes.

Submissions (2):

CeGaT Center for Human Genetics Tuebingen
Classification: Uncertain significance. Last evaluated: 2026-09-01. Review status: criteria provided, single submitter. Criteria: CeGaT Center For Human Genetics Tuebingen Variant Classification Criteria Version 2. Collection method: clinical testing. Allele origin: germline. Affected: yes. Observed: 1 variant allele.
Comment: TNRC6B: PVS1:Moderate

University of Washington Center for Mendelian Genomics, University of Washington
Classification: association for Autism spectrum disorder. Review status: no assertion criteria provided. Collection method: research. Allele origin: inherited. Affected: yes. Not counted in ClinVar's aggregate classification.

Literature cited by the submitters: PubMed 30504930 (cited by University of Washington Center for Mendelian Genomics, University of Washington).